The following is an entry in ClinVar:

NM_004990.4(MARS1):c.1445C>T (p.Thr482Ile)

Gene: MARS1 (methionyl-tRNA synthetase 1; plus strand). Cytogenetic location: 12q13.3.
Variant type: single nucleotide variant.
Coding change: c.1445C>T on transcript NM_004990.4 (MANE Select); coding-DNA position 1445, C replaced by T.
Protein change: p.Thr482Ile; replaces threonine 482 with isoleucine.
Molecular consequence: missense variant.
Genome position (GRCh38, 1-based): chr12:57,511,774, C>T. VCF-style: chr12-57511774-C-T. GRCh37 (hg19) VCF-style: chr12-57905557-C-T.
Other names: short protein forms T482I.
Identifiers: ClinVar variation 1681737 (VCV001681737.37), dbSNP rs1173899198, ClinGen allele CA385461387.

ClinVar aggregate classification (germline): Conflicting classifications of pathogenicity. Review status: criteria provided, conflicting classifications (1 of 4 stars). 3 submissions from 3 submitters: Uncertain significance (2); Likely benign (1). Last evaluated 2024-08-21.

Conditions:
Severe early-onset pulmonary alveolar proteinosis due to MARS deficiency. Also called: PULMONARY ALVEOLAR PROTEINOSIS, REUNION ISLAND; Interstitial lung and liver disease. Identifiers: Orphanet 440427, MedGen C4225400, MONDO:0014206, OMIM 615486.
Charcot-Marie-Tooth disease axonal type 2U. Also called: CHARCOT-MARIE-TOOTH NEUROPATHY, TYPE 2U; CHARCOT-MARIE-TOOTH DISEASE, AXONAL, AUTOSOMAL DOMINANT, TYPE 2U. Identifiers: Orphanet 397735, MedGen C4084821, MONDO:0014566, OMIM 616280.

Allele frequency attached by ClinVar (database versions not stated): gnomAD exomes below 0.00001; gnomAD 0.00001; TOPMed 0.00001.

Submissions (3):

Labcorp Genetics (formerly Invitae), Labcorp
Classification: Uncertain significance for Charcot-Marie-Tooth disease axonal type 2U; Severe early-onset pulmonary alveolar proteinosis due to MARS deficiency. Last evaluated: 2024-08-21. Review status: criteria provided, single submitter. Criteria: Invitae Variant Classification Sherloc (09022015). Collection method: clinical testing. Allele origin: germline.
Comment: This sequence change replaces threonine, which is neutral and polar, with isoleucine, which is neutral and non-polar, at codon 482 of the MARS protein (p.Thr482Ile). This variant is present in population databases (no rsID available, gnomAD 0.002%). This variant has not been reported in the literature in individuals affected with MARS-related conditions. ClinVar contains an entry for this variant (Variation ID: 1681737). An algorithm developed to predict the effect of missense changes on protein structure and function outputs the following: PolyPhen-2: "Benign". The isoleucine amino acid residue is found in multiple mammalian species, which suggests that this missense change does not adversely affect protein function. In summary, the available evidence is currently insufficient to determine the role of this variant in disease. Therefore, it has been classified as a Variant of Uncertain Significance.

CeGaT Center for Human Genetics Tuebingen
Classification: Uncertain significance. Last evaluated: 2022-10-01. Review status: criteria provided, single submitter. Criteria: CeGaT Center For Human Genetics Tuebingen Variant Classification Criteria Version 2. Collection method: clinical testing. Allele origin: germline. Affected: yes. Observed: 1 variant allele.
Comment: MARS1: PM2, BP4

Ambry Genetics
Classification: Likely benign. Last evaluated: 2021-02-03. Review status: criteria provided, single submitter. Criteria: Ambry Variant Classification Scheme 2023. Collection method: clinical testing. Allele origin: germline.